The following is an entry in ClinVar:

ClinVar aggregate classification (germline): Uncertain significance (1 of 4 stars; one submission).

Submission:

GeneDx
Classification: Uncertain significance. Last evaluated: 2021-02-24. Review status: criteria provided, single submitter. Criteria: GeneDx Variant Classification Process June 2021. Collection method: clinical testing. Allele origin: germline. Affected: yes.
Comment: Not observed in large population cohorts (Lek et al., 2016); In silico analysis supports that this missense variant has a deleterious effect on protein structure/function; Has not been previously published as pathogenic or benign to our knowledge

NM_000257.4(MYH7):c.2354T>A (p.Ile785Asn)

Genes: MYH7 (myosin heavy chain 7; minus strand), LOC126861898 (BRD4-independent group 4 enhancer GRCh37_chr14:23893609-23894808; plus strand). Cytogenetic location: 14q11.2.
Variant type: single nucleotide variant.
Coding change: c.2354T>A on transcript NM_000257.4 (MANE Select); coding-DNA position 2354, T replaced by A.
Protein change: p.Ile785Asn; replaces isoleucine 785 with asparagine.
Molecular consequence: missense variant.
Genome position (GRCh38, 1-based): chr14:23,425,351, A>T on the plus strand (T>A on the coding strand, the complement: MYH7 is on the minus strand). VCF-style: chr14-23425351-A-T. GRCh37 (hg19) VCF-style: chr14-23894560-A-T.
Other names: short protein forms I785N.
Identifiers: ClinVar variation 1318919 (VCV001318919.2), dbSNP rs2138667135, ClinGen allele CA389048590.